The following is an entry in ClinVar:

NM_017662.5(TRPM6):c.218C>T (p.Ala73Val)

Gene: TRPM6 (transient receptor potential cation channel subfamily M member 6; minus strand). Cytogenetic location: 9q21.13.
Variant type: single nucleotide variant.
Coding change: c.218C>T on transcript NM_017662.5 (MANE Select); coding-DNA position 218, C replaced by T.
Protein change: p.Ala73Val; replaces alanine 73 with valine.
Molecular consequence: missense variant.
Genome position (GRCh38, 1-based): chr9:74,842,278, G>A on the plus strand (C>T on the coding strand, the complement: TRPM6 is on the minus strand). VCF-style: chr9-74842278-G-A. GRCh37 (hg19) VCF-style: chr9-77457194-G-A.
Other names: c.203C>T, p.Ala68Val (NM_001177310.2, NM_001177311.2); c.218C>T (NM_017662.4); short protein forms A73V, A68V.
Identifiers: ClinVar variation 1402301 (VCV001402301.10), dbSNP rs778083572, ClinGen allele CA5085190.
Genomic context (GRCh38, chr9:74,842,278, plus strand): 5'-TCTGTTGGGCTTTTCGTTGTGTGCTTTTCAACAGACCATTGTTCACTTTCTTTACCCTTG[G>A]CAGCTGAGATGGTCCAGGAATAATCTATCCCAGCATGGTCTCCAATCAGTCGGCCACAGT-3'
Protein context (NP_060132.3, residues 63-83): GIDYSWTISA[Ala73Val]KGKESEQWSV

ClinVar aggregate classification (germline): Uncertain significance. Review status: criteria provided, multiple submitters, no conflicts (2 of 4 stars). 4 submissions from 4 submitters: Uncertain significance (4). Last evaluated 2024-05-16.

Conditions:
Inborn genetic diseases. Identifiers: MedGen C0950123, MeSH D030342.
Intestinal hypomagnesemia 1. Also called: HYPOMAGNESEMIA, INTESTINAL, WITH SECONDARY HYPOCALCEMIA; HYPOMAGNESEMIC TETANY. Identifiers: Orphanet 30924, MedGen C1865974, MONDO:0011176, OMIM 602014.

Allele frequency attached by ClinVar (database versions not stated): gnomAD 0.00005; gnomAD exomes 0.00006 and 0.00011; ExAC 0.00008; TOPMed 0.00009.
gnomAD v4.1: 96 of 1,613,796 alleles (0.0059%); highest among the groups gnomAD compares: Admixed American, 0.043%; no homozygotes.

Submissions (4):

Fulgent Genetics
Classification: Uncertain significance for Intestinal hypomagnesemia 1. Last evaluated: 2024-05-16. Review status: criteria provided, single submitter. Criteria: ACMG Guidelines, 2015. Collection method: clinical testing. Allele origin: germline.

Ambry Genetics
Classification: Uncertain significance for Inborn genetic diseases. Last evaluated: 2022-10-05. Review status: criteria provided, single submitter. Criteria: Ambry Variant Classification Scheme 2023. Collection method: clinical testing. Allele origin: germline.

Labcorp Genetics (formerly Invitae), Labcorp
Classification: Uncertain significance. Last evaluated: 2021-08-14. Review status: criteria provided, single submitter. Criteria: Invitae Variant Classification Sherloc (09022015). Collection method: clinical testing. Allele origin: germline.
Comment: This sequence change replaces alanine with valine at codon 73 of the TRPM6 protein (p.Ala73Val). The alanine residue is weakly conserved and there is a small physicochemical difference between alanine and valine. This variant is present in population databases (rs778083572, ExAC 0.03%). This variant has not been reported in the literature in individuals affected with TRPM6-related conditions. Algorithms developed to predict the effect of missense changes on protein structure and function (SIFT, PolyPhen-2, Align-GVGD) all suggest that this variant is likely to be tolerated. In summary, the available evidence is currently insufficient to determine the role of this variant in disease. Therefore, it has been classified as a Variant of Uncertain Significance.

Revvity Omics, Revvity
Classification: Uncertain significance for Intestinal hypomagnesemia 1. Last evaluated: 2020-12-10. Review status: criteria provided, single submitter. Criteria: ACMG Guidelines, 2015. Collection method: clinical testing. Allele origin: germline.